The following is an entry in ClinVar:

ClinVar aggregate classification (germline): Benign. Review status: criteria provided, single submitter (1 of 4 stars). 2 submissions from 2 submitters: Benign (1). 1 of the submissions does not count toward it. Last evaluated 2026-01-28.

Conditions:
KMT2D-related disorder. Also called: KMT2D-Related Disorders.
Kabuki syndrome. Also called: NIIKAWA-KUROKI SYNDROME; Kabuki make-up syndrome. Identifiers: Orphanet 2322, MedGen C0796004, MONDO:0016512.

Allele frequency attached by ClinVar (database versions not stated): gnomAD 0.00001; gnomAD exomes 0.00001; TOPMed 0.00002; ExAC 0.00010.
gnomAD v4.1: 15 of 1,570,004 alleles (0.00096%); highest among the groups gnomAD compares: East Asian, 0.019%; no homozygotes.

Submissions (2):

Labcorp Genetics (formerly Invitae), Labcorp
Classification: Benign for Kabuki syndrome. Last evaluated: 2026-01-28. Review status: criteria provided, single submitter. Criteria: Invitae Variant Classification Sherloc (09022015). Collection method: clinical testing. Allele origin: germline.

PreventionGenetics, part of Exact Sciences
Classification: Likely benign for KMT2D-related condition. Last evaluated: 2023-04-11. Review status: no assertion criteria provided. Collection method: clinical testing. Allele origin: germline. Not counted in ClinVar's aggregate classification.
Comment: This variant is classified as likely benign based on ACMG/AMP sequence variant interpretation guidelines (Richards et al. 2015 PMID: 25741868, with internal and published modifications).

NM_003482.4(KMT2D):c.5922G>A (p.Thr1974=)

Gene: KMT2D (lysine methyltransferase 2D; minus strand). Cytogenetic location: 12q13.12.
Variant type: single nucleotide variant.
Coding change: c.5922G>A on transcript NM_003482.4 (MANE Select); coding-DNA position 5922, G replaced by A.
Protein change: p.Thr1974=; no amino-acid change (threonine 1974 retained).
Molecular consequence: synonymous variant.
Genome position (GRCh38, 1-based): chr12:49,042,276, C>T on the plus strand (G>A on the coding strand, the complement: KMT2D is on the minus strand). VCF-style: chr12-49042276-C-T. GRCh37 (hg19) VCF-style: chr12-49436059-C-T.
Identifiers: ClinVar variation 2165795 (VCV002165795.6), dbSNP rs758125359, ClinGen allele CA6547392.